The following is an entry in ClinVar:

ClinVar aggregate classification (germline): Uncertain significance (1 of 4 stars; one submission).

Conditions:
Cardiovascular phenotype. Identifiers: MedGen CN230736.

gnomAD v4.1: 1 of 1,613,750 alleles (0.000062%); highest among the groups gnomAD compares: Non-Finnish European, 0.000085%; no homozygotes.

Submission:

Ambry Genetics
Classification: Uncertain significance for Cardiovascular phenotype. Last evaluated: 2026-06-09. Review status: criteria provided, single submitter. Criteria: Ambry Variant Classification Scheme 2023. Collection method: clinical testing. Allele origin: germline.
Comment: The p.G2019A variant (also known as c.6056G>C), located in coding exon 40 of the RYR2 gene, results from a G to C substitution at nucleotide position 6056. The glycine at codon 2019 is replaced by alanine, an amino acid with similar properties. This amino acid position is conserved. In addition, this alteration is predicted to be tolerated by in silico analysis. Based on the available evidence, the clinical significance of this variant remains unclear.

NM_001035.3(RYR2):c.6056G>C (p.Gly2019Ala)

Gene: RYR2 (ryanodine receptor 2; plus strand). Cytogenetic location: 1q43.
Variant type: single nucleotide variant.
Coding change: c.6056G>C on transcript NM_001035.3 (MANE Select); coding-DNA position 6056, G replaced by C.
Protein change: p.Gly2019Ala; replaces glycine 2019 with alanine.
Molecular consequence: missense variant.
Genome position (GRCh38, 1-based): chr1:237,625,694, G>C. VCF-style: chr1-237625694-G-C. GRCh37 (hg19) VCF-style: chr1-237788994-G-C.
Other names: short protein forms G2019A.
Identifiers: ClinVar variation 4863735 (VCV004863735.1).